The following is an entry in ClinVar:

NM_003718.5(CDK13):c.1830dup (p.Pro611fs)

Gene: CDK13 (cyclin dependent kinase 13; plus strand). Cytogenetic location: 7p14.1.
Variant type: Duplication.
Coding change: c.1830dup on transcript NM_003718.5 (MANE Select); coding-DNA position 1830, one base duplicated (A; older notation c.1830dupA).
Protein change: p.Pro611fs; shifts the reading frame from proline 611.
Molecular consequence: frameshift variant.
Genome position (GRCh38, 1-based): chr7:39,988,217, A duplicated. VCF-style (leftmost placement, unchanged base first): chr7-39988216-T-TA. GRCh37 (hg19) VCF-style: chr7-40027815-T-TA.
Other names: c.1830dup, p.Pro611Thrfs (NM_031267.4); short protein forms P611fs.
Identifiers: ClinVar variation 3342692 (VCV003342692.1).

ClinVar aggregate classification (germline): Uncertain significance (1 of 4 stars; one submission).

Submission:

GeneDx
Classification: Uncertain significance. Last evaluated: 2023-10-25. Review status: criteria provided, single submitter. Criteria: GeneDx Variant Classification Process June 2021. Collection method: clinical testing. Allele origin: germline. Affected: yes.
Comment: Frameshift variant predicted to result in protein truncation or nonsense mediated decay in a gene or region of a gene for which loss of function is not a well-established mechanism of disease; Not observed at significant frequency in large population cohorts (gnomAD); Has not been previously published as pathogenic or benign to our knowledge